The following is an entry in ClinVar:

ClinVar aggregate classification (germline): Uncertain significance (1 of 4 stars; one submission).

gnomAD v4.1: 1 of 1,551,402 alleles (0.000064%); highest among the groups gnomAD compares: Non-Finnish European, 0.000087%; no homozygotes.

Submission:

GeneDx
Classification: Uncertain significance. Last evaluated: 2026-04-28. Review status: criteria provided, single submitter. Criteria: GeneDx Variant Classification Process June 2021. Collection method: clinical testing. Allele origin: germline.
Comment: Not observed at significant frequency in large population cohorts (gnomAD); In silico analysis supports that this missense variant has a deleterious effect on protein structure/function; Has not been previously published as pathogenic or benign to our knowledge

NM_001134363.3(RBM20):c.1379T>G (p.Leu460Trp)

Gene: RBM20 (RNA binding motif protein 20; plus strand). Cytogenetic location: 10q25.2.
Variant type: single nucleotide variant.
Coding change: c.1379T>G on transcript NM_001134363.3 (MANE Select); coding-DNA position 1379, T replaced by G.
Protein change: p.Leu460Trp; replaces leucine 460 with tryptophan.
Molecular consequence: missense variant.
Genome position (GRCh38, 1-based): chr10:110,784,382, T>G. VCF-style: chr10-110784382-T-G. GRCh37 (hg19) VCF-style: chr10-112544140-T-G.
Other names: short protein forms L460W.
Identifiers: ClinVar variation 3897517 (VCV003897517.2).
Genomic context (GRCh38, chr10:110,784,382, plus strand): 5'-CCTTTCTCGCCCTCTCCAGTGCTGGCATCCGGTGTATACTTGGTTCGGCAGAGGGAACAT[T>G]GTGTGCTTCTCCCAACAGCACAGCTGTTTATAACCCTGCTGGGAATGAAGGTGAGCAAGG-3'
Protein context (NP_001127835.2, residues 450-470): RCILGSAEGT[Leu460Trp]CASPNSTAVY